The following is an entry in ClinVar:

ClinVar aggregate classification (germline): Uncertain significance. Review status: criteria provided, multiple submitters, no conflicts (2 of 4 stars). 2 submissions from 2 submitters: Uncertain significance (2). Last evaluated 2025-05-23.

Conditions:
Inborn genetic diseases. Identifiers: MedGen C0950123, MeSH D030342.
Immunodeficiency 23 (IMD23). Also called: IMMUNODEFICIENCY WITH HYPER IgE AND COGNITIVE IMPAIRMENT; IMMUNODEFICIENCY-VASCULITIS-MYOCLONUS SYNDROME. Identifiers: Orphanet 443811, MedGen C4014371, MONDO:0014353, OMIM 615816.

Allele frequency attached by ClinVar (database versions not stated): gnomAD exomes below 0.00001; TOPMed below 0.00001; gnomAD 0.00001.
gnomAD v4.1: 2 of 1,613,906 alleles (0.00012%); highest among the groups gnomAD compares: Admixed American, 0.0033%; no homozygotes.

Submissions (2):

Ambry Genetics
Classification: Uncertain significance for Inborn genetic diseases. Last evaluated: 2025-05-23. Review status: criteria provided, single submitter. Criteria: Ambry Variant Classification Scheme 2023. Collection method: clinical testing. Allele origin: germline.

Labcorp Genetics (formerly Invitae), Labcorp
Classification: Uncertain significance for Immunodeficiency 23. Last evaluated: 2022-07-06. Review status: criteria provided, single submitter. Criteria: Invitae Variant Classification Sherloc (09022015). Collection method: clinical testing. Allele origin: germline.
Comment: This sequence change replaces glutamic acid, which is acidic and polar, with glutamine, which is neutral and polar, at codon 507 of the PGM3 protein (p.Glu507Gln). This variant is present in population databases (no rsID available, gnomAD 0.003%). This variant has not been reported in the literature in individuals affected with PGM3-related conditions. Algorithms developed to predict the effect of missense changes on protein structure and function are either unavailable or do not agree on the potential impact of this missense change (SIFT: "Tolerated"; PolyPhen-2: "Possibly Damaging"; Align-GVGD: "Class C0"). In summary, the available evidence is currently insufficient to determine the role of this variant in disease. Therefore, it has been classified as a Variant of Uncertain Significance.

NM_015599.3(PGM3):c.1435G>C (p.Glu479Gln)

Genes: DOP1A (DOP1 leucine zipper like protein A; plus strand), PGM3 (phosphoglucomutase 3; minus strand). Cytogenetic location: 6q14.1.
Variant type: single nucleotide variant.
Coding change: c.1435G>C on transcript NM_015599.3 (MANE Select); coding-DNA position 1435, G replaced by C.
Protein change: p.Glu479Gln; replaces glutamic acid 479 with glutamine.
Molecular consequence: missense variant. On other transcripts: non-coding transcript variant (2).
Genome position (GRCh38, 1-based): chr6:83,170,409, C>G on the plus strand (G>C on the coding strand, the complement: PGM3 is on the minus strand). VCF-style: chr6-83170409-C-G. GRCh37 (hg19) VCF-style: chr6-83880128-C-G.
Other names: c.1519G>C, p.Glu507Gln (NM_001199917.2, NM_001367287.1); c.1192G>C, p.Glu398Gln (NM_001199918.2); c.1435G>C, p.Glu479Gln (NM_001199919.2); c.1519G>C (NM_001199917.1); c.1312G>C, p.Glu438Gln (NM_001367286.1); short protein forms E438Q, E398Q, E507Q, E479Q.
Identifiers: ClinVar variation 2064658 (VCV002064658.5), dbSNP rs1243066217, ClinGen allele CA364878525.
Genomic context (GRCh38, chr6:83,170,409, plus strand): 5'-CAGAGGGCCGGACAAAAGCTCGAGAAAGCTTGTACTTCTTCACCAGGTCATTGATTGCCT[C>G]CTGTAATCCTGGGGGTGTAACTGCTTGTCTTTCAGCATCGGTAGTGCTAATAACTCTCCT-3'
Protein context (NP_056414.1, residues 469-489): RQAVTPPGLQ[Glu479Gln]AINDLVKKYK